The following is an entry in ClinVar:

ClinVar aggregate classification (germline): Uncertain significance (1 of 4 stars; one submission).

Conditions:
COG5-congenital disorder of glycosylation. Also called: CDG IIi; COG5-CDG; CONGENITAL DISORDER OF GLYCOSYLATION, TYPE IIi. Identifiers: Orphanet 263487, MedGen C3150876, MONDO:0013325, OMIM 613612.

Submission:

Labcorp Genetics (formerly Invitae), Labcorp
Classification: Uncertain significance for COG5-congenital disorder of glycosylation. Last evaluated: 2021-11-11. Review status: criteria provided, single submitter. Criteria: Invitae Variant Classification Sherloc (09022015). Collection method: clinical testing. Allele origin: germline.
Comment: In summary, the available evidence is currently insufficient to determine the role of this variant in disease. Therefore, it has been classified as a Variant of Uncertain Significance. This variant has not been reported in the literature in individuals affected with COG5-related conditions. This variant is present in population databases (no rsID available, gnomAD 0.01%). This sequence change creates a premature translational stop signal (p.Ser11Leufs*31) in the COG5 gene. However, it is currently unclear if variants that occur in this region of the gene cause disease.

NC_000007.14:g.107563960del

Gene: COG5 (component of oligomeric golgi complex 5; minus strand). Cytogenetic location: 7q22.3.
Variant type: Deletion.
Genome position: GRCh38 VCF-style: chr7-107563958-GA-G. GRCh37 (hg19) VCF-style: chr7-107204403-GA-G.
Identifiers: ClinVar variation 1461116 (VCV001461116.5), dbSNP rs1453226093, ClinGen allele CA577198662.